The following is an entry in ClinVar:

ClinVar aggregate classification (germline): Likely pathogenic. Review status: criteria provided, single submitter (1 of 4 stars). 2 submissions from 2 submitters: Likely pathogenic (1). 1 of the submissions does not count toward it. Last evaluated 2022-12-31.

Conditions:
Autosomal recessive polycystic kidney disease (ARPKD). Also called: AR polycystic kidney disease. Identifiers: Orphanet 731, Orphanet 8378, MedGen C0085548, MeSH D017044, MONDO:0009889.

Allele frequency attached by ClinVar (database versions not stated): gnomAD exomes below 0.00001.
gnomAD v4.1: 4 of 1,613,474 alleles (0.00025%); highest among the groups gnomAD compares: Non-Finnish European, 0.00034%; no homozygotes.

Submissions (2):

Labcorp Genetics (formerly Invitae), Labcorp
Classification: Likely pathogenic for Autosomal recessive polycystic kidney disease. Last evaluated: 2022-12-31. Review status: criteria provided, single submitter. Criteria: Invitae Variant Classification Sherloc (09022015). Collection method: clinical testing. Allele origin: germline.
Comment: This variant disrupts the p.Gly952 amino acid residue in PKHD1. Other variant(s) that disrupt this residue have been determined to be pathogenic (PMID: 16133180, 27225849). This suggests that this residue is clinically significant, and that variants that disrupt this residue are likely to be disease-causing. In summary, the currently available evidence indicates that the variant is pathogenic, but additional data are needed to prove that conclusively. Therefore, this variant has been classified as Likely Pathogenic. Algorithms developed to predict the effect of sequence changes on RNA splicing suggest that this variant may create or strengthen a splice site. This sequence change replaces glycine, which is neutral and non-polar, with glutamic acid, which is acidic and polar, at codon 952 of the PKHD1 protein (p.Gly952Glu). This variant is not present in population databases (gnomAD no frequency). This variant has not been reported in the literature in individuals affected with PKHD1-related conditions. Advanced modeling of protein sequence and biophysical properties (such as structural, functional, and spatial information, amino acid conservation, physicochemical variation, residue mobility, and thermodynamic stability) performed at Invitae indicates that this missense variant is expected to disrupt PKHD1 protein function.

Natera, Inc.
Classification: Uncertain significance for Autosomal recessive polycystic kidney disease. Last evaluated: 2025-03-02. Review status: no assertion criteria provided. Collection method: clinical testing. Allele origin: germline. Not counted in ClinVar's aggregate classification.

Literature cited by the submitters: PubMed 16133180 (cited by Labcorp Genetics (formerly Invitae), Labcorp); PubMed 27225849 (cited by Labcorp Genetics (formerly Invitae), Labcorp).

NM_138694.4(PKHD1):c.2855G>A (p.Gly952Glu)

Gene: PKHD1 (PKHD1 ciliary IPT domain containing fibrocystin/polyductin; minus strand). Cytogenetic location: 6p12.2.
Variant type: single nucleotide variant.
Coding change: c.2855G>A on transcript NM_138694.4 (MANE Select); coding-DNA position 2855, G replaced by A.
Protein change: p.Gly952Glu; replaces glycine 952 with glutamic acid.
Molecular consequence: missense variant.
Genome position (GRCh38, 1-based): chr6:52,043,101, C>T on the plus strand (G>A on the coding strand, the complement: PKHD1 is on the minus strand). VCF-style: chr6-52043101-C-T. GRCh37 (hg19) VCF-style: chr6-51907899-C-T.
Other names: c.2855G>A, p.Gly952Glu (NM_170724.3); c.2855G>A (NM_138694.3); short protein forms G952E.
Identifiers: ClinVar variation 2825297 (VCV002825297.4), dbSNP rs2533050685, ClinGen allele CA364442419.